The following is an entry in ClinVar:

ClinVar aggregate classification (germline): Uncertain significance (1 of 4 stars; one submission).

Conditions:
Peroxisome biogenesis disorder, complementation group K (CGK). Identifiers: MedGen C1866257, MONDO:0800365.

Allele frequency attached by ClinVar (database versions not stated): gnomAD exomes below 0.00001 and 0.00001; ExAC 0.00001.
gnomAD v4.1: 3 of 1,611,014 alleles (0.00019%); highest among the groups gnomAD compares: East Asian, 0.0022%; no homozygotes.

Submission:

Labcorp Genetics (formerly Invitae), Labcorp
Classification: Uncertain significance for Peroxisome biogenesis disorder, complementation group K. Last evaluated: 2021-08-20. Review status: criteria provided, single submitter. Criteria: Invitae Variant Classification Sherloc (09022015). Collection method: clinical testing. Allele origin: germline.
Comment: This variant has not been reported in the literature in individuals affected with PEX14-related conditions. This variant is present in population databases (rs763093176, ExAC 0.02%). This sequence change replaces glutamic acid with lysine at codon 284 of the PEX14 protein (p.Glu284Lys). The glutamic acid residue is moderately conserved and there is a small physicochemical difference between glutamic acid and lysine. Algorithms developed to predict the effect of missense changes on protein structure and function (SIFT, PolyPhen-2, Align-GVGD) all suggest that this variant is likely to be tolerated. In summary, the available evidence is currently insufficient to determine the role of this variant in disease. Therefore, it has been classified as a Variant of Uncertain Significance.

NM_004565.3(PEX14):c.850G>A (p.Glu284Lys)

Gene: PEX14 (peroxisomal biogenesis factor 14; plus strand). Cytogenetic location: 1p36.22.
Variant type: single nucleotide variant.
Coding change: c.850G>A on transcript NM_004565.3 (MANE Select); coding-DNA position 850, G replaced by A.
Protein change: p.Glu284Lys; replaces glutamic acid 284 with lysine.
Molecular consequence: missense variant.
Genome position (GRCh38, 1-based): chr1:10,629,703, G>A. VCF-style: chr1-10629703-G-A. GRCh37 (hg19) VCF-style: chr1-10689760-G-A.
Other names: short protein forms E284K.
Identifiers: ClinVar variation 1506138 (VCV001506138.4), dbSNP rs763093176, ClinGen allele CA583981.